The following is an entry in ClinVar:

NM_001080517.3(SETD5):c.586C>T (p.Gln196Ter)

Gene: SETD5 (SET domain containing 5; plus strand). Cytogenetic location: 3p25.3.
Variant type: single nucleotide variant.
Coding change: c.586C>T on transcript NM_001080517.3 (MANE Select); coding-DNA position 586, C replaced by T.
Protein change: p.Gln196Ter; replaces glutamine 196 with a stop codon.
Molecular consequence: nonsense.
Genome position (GRCh38, 1-based): chr3:9,440,474, C>T. VCF-style: chr3-9440474-C-T. GRCh37 (hg19) VCF-style: chr3-9482158-C-T.
Other names: c.292C>T, p.Gln98Ter (NM_001292043.2, NM_001349451.2); short protein forms Q196*, Q98*.
Identifiers: ClinVar variation 620351 (VCV000620351.2), dbSNP rs1559413463, ClinGen allele CA351686950.

ClinVar aggregate classification (germline): Conflicting classifications of pathogenicity. Review status: criteria provided, conflicting classifications (1 of 4 stars). 2 submissions from 2 submitters: Pathogenic (1); Uncertain significance (1). Last evaluated 2021-07-15.

Conditions:
Intellectual disability. Also called: Intellectual developmental disorder; Intellectual functioning disability; intellectual disabilities. Identifiers: MedGen C3714756, MeSH D008607, MONDO:0001071, HP:0001249.

Submissions (2):

Cambridge Genomics Laboratory, East Genomic Laboratory Hub, NHS Genomic Medicine Service
Classification: Uncertain significance for Intellectual disability. Last evaluated: 2021-07-15. Review status: criteria provided, single submitter. Criteria: ACGS Best Practice Guidelines for Variant Classification in Rare Disease 2020. Collection method: clinical testing. Allele origin: germline. Affected: yes. Observed: 1 variant allele.

GeneDx
Classification: Pathogenic. Last evaluated: 2018-09-11. Review status: criteria provided, single submitter. Criteria: GeneDx Variant Classification (06012015). Collection method: clinical testing. Allele origin: germline. Affected: yes.
Comment: The Q196X variant in the SETD5 gene has not been reported previously as a pathogenic variant nor as a benign variant, to our knowledge. This variant is predicted to cause loss of normal protein function either through protein truncation or nonsense-mediated mRNA decay. The Q196X variant is not observed in large population cohorts (Lek et al., 2016). We interpret Q196X as a pathogenic variant.